The following is an entry in ClinVar:

ClinVar aggregate classification (germline): Pathogenic (1 of 4 stars; one submission).

Submission:

Labcorp Genetics (formerly Invitae), Labcorp
Classification: Pathogenic. Last evaluated: 2025-04-09. Review status: criteria provided, single submitter. Criteria: Invitae Variant Classification Sherloc (09022015). Collection method: clinical testing. Allele origin: germline.
Comment: This sequence change creates a premature translational stop signal (p.Phe342Serfs*11) in the MYH3 gene. It is expected to result in an absent or disrupted protein product. Loss-of-function variants in MYH3 are known to be pathogenic (PMID: 29805041, 30008475). This variant is not present in population databases (gnomAD no frequency). This variant has not been reported in the literature in individuals affected with MYH3-related conditions. For these reasons, this variant has been classified as Pathogenic.

Literature cited by the submitters: PubMed 29805041; PubMed 30008475.

NM_002470.4(MYH3):c.1025_1028del (p.Phe342fs)

Gene: MYH3 (myosin heavy chain 3; minus strand). Cytogenetic location: 17p13.1.
Variant type: Deletion.
Coding change: c.1025_1028del on transcript NM_002470.4 (MANE Select); coding-DNA positions 1025 to 1028, 4 bases deleted (TCAC; older notation c.1025_1028delTCAC).
Protein change: p.Phe342fs; shifts the reading frame from phenylalanine 342.
Molecular consequence: frameshift variant.
Genome position (GRCh38, 1-based): chr17:10,645,820-10,645,823, GTGA deleted on the plus strand (TCAC on the coding strand, the reverse complement: MYH3 is on the minus strand). VCF-style (leftmost placement, unchanged base first): chr17-10645819-GGTGA-G. GRCh37 (hg19) VCF-style: chr17-10549136-GGTGA-G.
Other names: short protein forms F342fs.
Identifiers: ClinVar variation 4716906 (VCV004716906.1).